The following is an entry in ClinVar:

NM_001040108.2(MLH3):c.3173T>C (p.Val1058Ala)

Gene: MLH3 (mutL homolog 3; minus strand). Cytogenetic location: 14q24.3.
Variant type: single nucleotide variant.
Coding change: c.3173T>C on transcript NM_001040108.2 (MANE Select); coding-DNA position 3173, T replaced by C.
Protein change: p.Val1058Ala; replaces valine 1058 with alanine.
Molecular consequence: missense variant.
Genome position (GRCh38, 1-based): chr14:75,046,483, A>G on the plus strand (T>C on the coding strand, the complement: MLH3 is on the minus strand). VCF-style: chr14-75046483-A-G. GRCh37 (hg19) VCF-style: chr14-75513186-A-G.
Other names: c.3173T>C, p.Val1058Ala (NM_014381.3); short protein forms V1058A.
Identifiers: ClinVar variation 1728470 (VCV001728470.2), dbSNP rs1047794293, ClinGen allele CA390435407.

ClinVar aggregate classification (germline): Uncertain significance (1 of 4 stars; one submission).

Submission:

Ambry Genetics
Classification: Uncertain significance. Last evaluated: 2022-05-31. Review status: criteria provided, single submitter. Criteria: Ambry Variant Classification Scheme 2023. Collection method: clinical testing. Allele origin: germline.
Comment: The p.V1058A variant (also known as c.3173T>C), located in coding exon 1 of the MLH3 gene, results from a T to C substitution at nucleotide position 3173. The valine at codon 1058 is replaced by alanine, an amino acid with similar properties. This amino acid position is conserved. In addition, the in silico prediction for this alteration is inconclusive. Since supporting evidence is limited at this time, the clinical significance of this alteration remains unclear.